The following is an entry in ClinVar:

ClinVar aggregate classification (germline): Uncertain significance (1 of 4 stars; one submission).

Conditions:
Infantile myofibromatosis (IMF). Also called: Congenital generalized fibromatosis. Identifiers: Orphanet 2591, MedGen C0432284, MONDO:0016824.
Skeletal overgrowth-craniofacial dysmorphism-hyperelastic skin-white matter lesions syndrome. Also called: SKELETAL OVERGROWTH WITH FACIAL DYSMORPHISM, HYPERELASTIC SKIN, WHITE MATTER LESIONS, AND NEUROLOGIC DETERIORATION; Kosaki overgrowth syndrome. Identifiers: Orphanet 477831, MedGen C4225270, MONDO:0014704, OMIM 616592.
Acroosteolysis-keloid-like lesions-premature aging syndrome. Also called: Premature aging syndrome, Penttinen type; Prematurely aged appearance, delayed bone maturation, acro-osteolysis, and brachydactyly; Progeroid syndrome, Penttinen type. Identifiers: Orphanet 363665, MedGen C1866182, MONDO:0011150, OMIM 601812.
Basal ganglia calcification, idiopathic, 4 (PFBC4). Also called: Familial Idiopathic Basal Ganglia Calcification 4; PRIMARY FAMILIAL BRAIN CALCIFICATION 4, AUTOSOMAL DOMINANT. Identifiers: Orphanet 1980, MedGen C3554321, MONDO:0014004, OMIM 615007.

Submission:

Labcorp Genetics (formerly Invitae), Labcorp
Classification: Uncertain significance for Basal ganglia calcification, idiopathic, 4; Skeletal overgrowth-craniofacial dysmorphism-hyperelastic skin-white matter lesions syndrome; Infantile myofibromatosis; Acroosteolysis-keloid-like lesions-premature aging syndrome. Last evaluated: 2023-10-28. Review status: criteria provided, single submitter. Criteria: Invitae Variant Classification Sherloc (09022015). Collection method: clinical testing. Allele origin: germline.
Comment: This sequence change creates a premature translational stop signal (p.Thr699Hisfs*79) in the PDGFRB gene. It is expected to result in an absent or disrupted protein product. However, the current clinical and genetic evidence is not sufficient to establish whether loss-of-function variants in PDGFRB cause disease. This variant is not present in population databases (gnomAD no frequency). This variant has not been reported in the literature in individuals affected with PDGFRB-related conditions. In summary, the available evidence is currently insufficient to determine the role of this variant in disease. Therefore, it has been classified as a Variant of Uncertain Significance.

NM_002609.4(PDGFRB):c.2094dup (p.Thr699fs)

Gene: PDGFRB (platelet derived growth factor receptor beta; minus strand). Cytogenetic location: 5q32.
Variant type: Duplication.
Coding change: c.2094dup on transcript NM_002609.4 (MANE Select); coding-DNA position 2094, one base duplicated (C; older notation c.2094dupC).
Protein change: p.Thr699fs; shifts the reading frame from threonine 699.
Molecular consequence: frameshift variant.
Genome position (GRCh38, 1-based): chr5:150,123,131, G duplicated on the plus strand (C on the coding strand, the reverse complement: PDGFRB is on the minus strand). VCF-style (leftmost placement, unchanged base first): chr5-150123130-T-TG. GRCh37 (hg19) VCF-style: chr5-149502693-T-TG.
Other names: c.1902dup, p.Thr635fs (NM_001355016.2); c.1611dup, p.Thr538fs (NM_001355017.2); short protein forms T538fs, T635fs, T699fs.
Identifiers: ClinVar variation 2951084 (VCV002951084.3), dbSNP rs2527544755, ClinGen allele CA2740090875.